The following is an entry in ClinVar:

NM_001365951.3(KIF1B):c.4900A>T (p.Thr1634Ser)

Gene: KIF1B (kinesin family member 1B; plus strand). Cytogenetic location: 1p36.22.
Variant type: single nucleotide variant.
Coding change: c.4900A>T on transcript NM_001365951.3 (MANE Select); coding-DNA position 4900, A replaced by T.
Protein change: p.Thr1634Ser; replaces threonine 1634 with serine.
Molecular consequence: missense variant.
Genome position (GRCh38, 1-based): chr1:10,371,216, A>T. VCF-style: chr1-10371216-A-T. GRCh37 (hg19) VCF-style: chr1-10431274-A-T.
Other names: c.4900A>T, p.Thr1634Ser (NM_001365952.1); c.4762A>T, p.Thr1588Ser (NM_015074.3); short protein forms T1588S, T1634S.
Identifiers: ClinVar variation 4543620 (VCV004543620.1).

ClinVar aggregate classification (germline): Uncertain significance (1 of 4 stars; one submission).

gnomAD v4.1: 1 of 1,613,860 alleles (0.000062%); highest among the groups gnomAD compares: East Asian, 0.0022%; no homozygotes.

Submission:

Ambry Genetics
Classification: Uncertain significance. Last evaluated: 2025-09-19. Review status: criteria provided, single submitter. Criteria: Ambry Variant Classification Scheme 2023. Collection method: clinical testing. Allele origin: germline.
Comment: The p.T1588S variant (also known as c.4762A>T), located in coding exon 42 of the KIF1B gene, results from an A to T substitution at nucleotide position 4762. The threonine at codon 1588 is replaced by serine, an amino acid with similar properties. This amino acid position is conserved. In addition, this alteration is predicted to be tolerated by in silico analysis. Based on the available evidence, the clinical significance of this variant remains unclear.